The following is an entry in ClinVar:

NM_001365902.3(NFIX):c.275_288del (p.Val92fs)

Gene: NFIX (nuclear factor I X; plus strand). Cytogenetic location: 19p13.13.
Variant type: Deletion.
Coding change: c.275_288del on transcript NM_001365902.3 (MANE Select); coding-DNA positions 275 to 288, 14 bases deleted (TGCTGACCATCACG).
Protein change: p.Val92fs; shifts the reading frame from valine 92.
Molecular consequence: frameshift variant.
Genome position (GRCh38, 1-based): chr19:13,025,268-13,025,281, TGCTGACCATCACG deleted; deleting any 14 consecutive bases within chr19:13,025,266-13,025,281 gives the same sequence; the c. name uses the placement nearest the transcript's 3' end. VCF-style (leftmost placement, unchanged base first): chr19-13025265-TCGTGCTGACCATCA-T. GRCh37 (hg19) VCF-style: chr19-13136079-TCGTGCTGACCATCA-T.
Other names: c.299_312del, p.Val100fs (NM_001271043.2); c.251_264del, p.Val84fs (NM_001271044.3, NM_001378404.1); c.275_288del, p.Val92fs (NM_001365982.2, NM_002501.4); c.134_147del, p.Val45fs (NM_001365983.2); c.272_285del, p.Val91fs (NM_001365984.2, NM_001365985.2); c.323_336del, p.Val108fs (NM_001378405.1); short protein forms V100fs, V108fs, V92fs, V84fs, V91fs, V45fs.
Identifiers: ClinVar variation 2953270 (VCV002953270.3), dbSNP rs2512744631, ClinGen allele CA2740091907.
Genomic context (GRCh38, chr19:13,025,265, plus strand): 5'-GGGCATCCCGGCTGCTGGCCAAGCTGCGCAAGGACATCCGGCCCGAGTTCCGCGAGGACT[TCGTGCTGACCATCA>T]CGGGCAAGAAGCCCCCCTGCTGCGTGCTCTCCAACCCCGACCAGAAGGGCAAGATCCGGC-3'

ClinVar aggregate classification (germline): Pathogenic (1 of 4 stars; one submission).

Conditions:
Marshall-Smith syndrome (MRSHSS). Identifiers: Orphanet 561, MedGen C0265211, MONDO:0011244, OMIM 602535.
Malan overgrowth syndrome (MALNS). Also called: MALAN SYNDROME; NFIX-Related Malan Syndrome; Sotos syndrome 2. Identifiers: Orphanet 420179, MedGen C3553660, MONDO:0013885, OMIM 614753.

Submission:

Labcorp Genetics (formerly Invitae), Labcorp
Classification: Pathogenic for Malan overgrowth syndrome; Marshall-Smith syndrome. Last evaluated: 2023-10-24. Review status: criteria provided, single submitter. Criteria: Invitae Variant Classification Sherloc (09022015). Collection method: clinical testing. Allele origin: germline.
Comment: This sequence change creates a premature translational stop signal (p.Val100Glyfs*22) in the NFIX gene. It is expected to result in an absent or disrupted protein product. Loss-of-function variants in NFIX are known to be pathogenic (PMID: 20673863, 20949508, 24924640, 25118028). This variant is not present in population databases (gnomAD no frequency). This variant has not been reported in the literature in individuals affected with NFIX-related conditions. For these reasons, this variant has been classified as Pathogenic.

Literature cited by the submitters: PubMed 20673863; PubMed 20949508; PubMed 24924640; PubMed 25118028.